The following is an entry in ClinVar:

NM_025144.4(ALPK1):c.276+2T>C

Gene: ALPK1 (alpha kinase 1; plus strand). Cytogenetic location: 4q25.
Variant type: single nucleotide variant.
Coding change: c.276+2T>C on transcript NM_025144.4 (MANE Select); the canonical splice donor site of the intron after coding-DNA position 276, T replaced by C.
Molecular consequence: splice donor variant. On other transcripts: intron variant (1).
Genome position (GRCh38, 1-based): chr4:112,382,554, T>C. VCF-style: chr4-112382554-T-C. GRCh37 (hg19) VCF-style: chr4-113303710-T-C.
Other names: c.276+2T>C (NM_001102406.2); c.42+4656T>C (NM_001253884.2).
Identifiers: ClinVar variation 1971732 (VCV001971732.5), dbSNP rs1374094746, ClinGen allele CA357988720.

ClinVar aggregate classification (germline): Uncertain significance (1 of 4 stars; one submission).

Allele frequency attached by ClinVar (database versions not stated): TOPMed below 0.00001; gnomAD 0.00001; gnomAD exomes 0.00001.
gnomAD v4.1: 10 of 1,613,954 alleles (0.00062%); highest among the groups gnomAD compares: Non-Finnish European, 0.00085%; no homozygotes.

Submission:

Labcorp Genetics (formerly Invitae), Labcorp
Classification: Uncertain significance. Last evaluated: 2024-05-29. Review status: criteria provided, single submitter. Criteria: Invitae Variant Classification Sherloc (09022015). Collection method: clinical testing. Allele origin: germline.
Comment: This sequence change affects a donor splice site in intron 4 of the ALPK1 gene. It is expected to disrupt RNA splicing. Variants that disrupt the donor or acceptor splice site typically lead to a loss of protein function (PMID: 16199547), however the current clinical and genetic evidence is not sufficient to establish whether loss-of-function variants in ALPK1 cause disease. This variant is not present in population databases (gnomAD no frequency). This variant has not been reported in the literature in individuals affected with ALPK1-related conditions. ClinVar contains an entry for this variant (Variation ID: 1971732). Algorithms developed to predict the effect of sequence changes on RNA splicing suggest that this variant may disrupt the consensus splice site. In summary, the available evidence is currently insufficient to determine the role of this variant in disease. Therefore, it has been classified as a Variant of Uncertain Significance.

Literature cited by the submitters: PubMed 16199547.